The following is an entry in ClinVar:

ClinVar aggregate classification (germline): Likely benign (1 of 4 stars; one submission).

Conditions:
Breast-ovarian cancer, familial, susceptibility to, 4. Identifiers: Orphanet 145, MedGen C3280345, MONDO:0013669, OMIM 614291.

Submission:

Myriad Genetics, Inc.
Classification: Likely benign for Breast-ovarian cancer, familial, susceptibility to, 4. Last evaluated: 2025-02-21. Review status: criteria provided, single submitter. Criteria: Myriad Autosomal Dominant, Autosomal Recessive and X-Linked Classification Criteria (2023). Collection method: clinical testing. Allele origin: unknown.
Comment: This variant is considered likely benign. This variant is intronic and is not expected to impact mRNA splicing.

NM_002878.4(RAD51D):c.346-13C>T

Genes: RAD51D (RAD51 paralog D; minus strand), RAD51L3-RFFL (RAD51L3-RFFL readthrough; minus strand). Cytogenetic location: 17q12.
Variant type: single nucleotide variant.
Coding change: c.346-13C>T on transcript NM_002878.4 (MANE Select); 13 bases into the intron before coding-DNA position 346, C replaced by T.
Molecular consequence: intron variant.
Genome position (GRCh38, 1-based): chr17:35,107,135, G>A on the plus strand (C>T on the coding strand, the complement: RAD51D is on the minus strand). VCF-style: chr17-35107135-G-A. GRCh37 (hg19) VCF-style: chr17-33434154-G-A.
Other names: c.145-654C>T (NM_133629.3); c.406-13C>T (NM_001142571.2).
Identifiers: ClinVar variation 3903578 (VCV003903578.1).